The following is an entry in ClinVar:

NM_001134673.4(NFIA):c.819-11T>G

Gene: NFIA (nuclear factor I A; plus strand). Cytogenetic location: 1p31.3.
Variant type: single nucleotide variant.
Coding change: c.819-11T>G on transcript NM_001134673.4 (MANE Select); 11 bases into the intron before coding-DNA position 819, T replaced by G.
Molecular consequence: intron variant.
Genome position (GRCh38, 1-based): chr1:61,359,136, T>G. VCF-style: chr1-61359136-T-G. GRCh37 (hg19) VCF-style: chr1-61824808-T-G.
Other names: c.795-11T>G (NM_001145511.2); c.954-11T>G (NM_001145512.2); c.819-11T>G (NM_005595.5).
Identifiers: ClinVar variation 504245 (VCV000504245.2), dbSNP rs1553177737, ClinGen allele CA658795471.

ClinVar aggregate classification (germline): Uncertain significance (1 of 4 stars; one submission).

Submission:

GeneDx
Classification: Uncertain significance. Last evaluated: 2018-02-01. Review status: criteria provided, single submitter. Criteria: GeneDx Variant Classification (06012015). Collection method: clinical testing. Allele origin: germline. Affected: yes.
Comment: The c.819-11 T>G variant has not been published as a pathogenic variant, nor has it been reported as a benign variant to our knowledge. This variant is not observed in large population cohorts (Lek et al., 2016). Several in silico splice prediction models predict that c.819-11 T>G damages the natural splice acceptor site of intron 5 and may lead to abnormal gene splicing. However, in the absence of RNA/functional studies, the actual effect of this sequence change in this individual is unknown.